The following is an entry in ClinVar:

NM_022124.6(CDH23):c.1913A>G (p.Tyr638Cys)

Gene: CDH23 (cadherin related 23; plus strand). Cytogenetic location: 10q22.1.
Variant type: single nucleotide variant.
Coding change: c.1913A>G on transcript NM_022124.6 (MANE Select); coding-DNA position 1913, A replaced by G.
Protein change: p.Tyr638Cys; replaces tyrosine 638 with cysteine.
Molecular consequence: missense variant.
Genome position (GRCh38, 1-based): chr10:71,682,499, A>G. VCF-style: chr10-71682499-A-G. GRCh37 (hg19) VCF-style: chr10-73442256-A-G.
Other names: c.1913A>G, p.Tyr638Cys (NM_001171930.2, NM_001171931.2); short protein forms Y638C.
Identifiers: ClinVar variation 1971535 (VCV001971535.2), dbSNP rs1864695456, ClinGen allele CA377132454.
Genomic context (GRCh38, chr10:71,682,499, plus strand): 5'-TTGCAGTGATCAGCGTCAGTCGCCCCCTGGATTATGAACAGATATCCAATGGGCTGATTT[A>G]TCTGACGGTCATGGCCATGGATGCTGGCAACCCCCCTCTCAACAGCACCGTCCCTGTCAC-3'
Protein context (NP_071407.4, residues 628-648): DYEQISNGLI[Tyr638Cys]LTVMAMDAGN

ClinVar aggregate classification (germline): Uncertain significance (1 of 4 stars; one submission).

Allele frequency attached by ClinVar (database versions not stated): gnomAD exomes below 0.00001; TOPMed below 0.00001.
gnomAD v4.1: 1 of 1,613,332 alleles (0.000062%); highest among the groups gnomAD compares: Non-Finnish European, 0.000085%; no homozygotes.

Submission:

Labcorp Genetics (formerly Invitae), Labcorp
Classification: Uncertain significance. Last evaluated: 2021-12-19. Review status: criteria provided, single submitter. Criteria: Invitae Variant Classification Sherloc (09022015). Collection method: clinical testing. Allele origin: germline.
Comment: This sequence change replaces tyrosine, which is neutral and polar, with cysteine, which is neutral and slightly polar, at codon 638 of the CDH23 protein (p.Tyr638Cys). This variant is not present in population databases (gnomAD no frequency). This variant has not been reported in the literature in individuals affected with CDH23-related conditions. Algorithms developed to predict the effect of missense changes on protein structure and function are either unavailable or do not agree on the potential impact of this missense change (SIFT: "Deleterious"; PolyPhen-2: "Not Available"; Align-GVGD: "Class C65"). In summary, the available evidence is currently insufficient to determine the role of this variant in disease. Therefore, it has been classified as a Variant of Uncertain Significance.